The following is an entry in ClinVar:

NM_000036.3(AMPD1):c.829C>T (p.Leu277Phe)

Gene: AMPD1 (adenosine monophosphate deaminase 1; minus strand). Cytogenetic location: 1p13.2.
Variant type: single nucleotide variant.
Coding change: c.829C>T on transcript NM_000036.3 (MANE Select); coding-DNA position 829, C replaced by T.
Protein change: p.Leu277Phe; replaces leucine 277 with phenylalanine.
Molecular consequence: missense variant.
Genome position (GRCh38, 1-based): chr1:114,679,647, G>A on the plus strand (C>T on the coding strand, the complement: AMPD1 is on the minus strand). VCF-style: chr1-114679647-G-A. GRCh37 (hg19) VCF-style: chr1-115222268-G-A.
Other names: c.817C>T, p.Leu273Phe (NM_001172626.2); short protein forms L277F, L273F.
Identifiers: ClinVar variation 1353469 (VCV001353469.8), dbSNP rs2101715947, ClinGen allele CA341750125.

ClinVar aggregate classification (germline): Uncertain significance (1 of 4 stars; one submission).

Conditions:
Muscle AMP deaminase deficiency (MMDD). Also called: Myoadenylate deaminase deficiency, myopathy due to; Adenosine monophosphate deaminase 1 deficiency; AMP deaminase 1 deficiency; Adenosine Monophosphate Deaminase 1; AMPD1 DEFICIENCY; ADENOSINE MONOPHOSPHATE DEAMINASE-1 DEFICIENCY, MYOPATHY DUE TO. Identifiers: Orphanet 45, MedGen C3714933, MONDO:0014220, OMIM 615511.

Allele frequency attached by ClinVar (database versions not stated): gnomAD exomes below 0.00001.

Submission:

Labcorp Genetics (formerly Invitae), Labcorp
Classification: Uncertain significance for Muscle AMP deaminase deficiency. Last evaluated: 2021-05-13. Review status: criteria provided, single submitter. Criteria: Invitae Variant Classification Sherloc (09022015). Collection method: clinical testing. Allele origin: germline.
Comment: This sequence change replaces leucine with phenylalanine at codon 310 of the AMPD1 protein (p.Leu310Phe). The leucine residue is highly conserved and there is a small physicochemical difference between leucine and phenylalanine. This variant is not present in population databases (ExAC no frequency). This variant has not been reported in the literature in individuals with AMPD1-related conditions. Algorithms developed to predict the effect of missense changes on protein structure and function are either unavailable or do not agree on the potential impact of this missense change (SIFT: "Deleterious"; PolyPhen-2: "Probably Damaging"; Align-GVGD: "Class C15"). In summary, the available evidence is currently insufficient to determine the role of this variant in disease. Therefore, it has been classified as a Variant of Uncertain Significance.